The following is an entry in ClinVar:

NM_057093.2(CRYBA2):c.571T>C (p.Ser191Pro)

Gene: CRYBA2 (crystallin beta A2; minus strand). Cytogenetic location: 2q35.
Variant type: single nucleotide variant.
Coding change: c.571T>C on transcript NM_057093.2 (MANE Select); coding-DNA position 571, T replaced by C.
Protein change: p.Ser191Pro; replaces serine 191 with proline.
Molecular consequence: missense variant.
Genome position (GRCh38, 1-based): chr2:218,990,275, A>G on the plus strand (T>C on the coding strand, the complement: CRYBA2 is on the minus strand). VCF-style: chr2-218990275-A-G. GRCh37 (hg19) VCF-style: chr2-219854997-A-G.
Other names: c.571T>C, p.Ser191Pro (NM_005209.1, NM_057094.2); short protein forms S191P.
Identifiers: ClinVar variation 2515408 (VCV002515408.6), dbSNP rs144661907, ClinGen allele CA2114384.
Genomic context (GRCh38, chr2:218,990,275, plus strand): 5'-TGAGTGTCCTCAGGGAAGGTGTCTGGGGCCGTGGAGCCTAGTGCTGGACTCTCCGGATGG[A>G]CTGCAGCTGCCCAGTGTGGGCCTGTGTGCCGAGCTCACCGTAAGTACAGAACTCTCCGCT-3'
Protein context (NP_476434.1, residues 181-197): GTQAHTGQLQ[Ser191Pro]IRRVQH

ClinVar aggregate classification (germline): Conflicting classifications of pathogenicity. Review status: criteria provided, conflicting classifications (1 of 4 stars). 3 submissions from 3 submitters: Uncertain significance (2); Likely benign (1). Last evaluated 2026-04-01.

Conditions:
Early-onset anterior polar cataract. Also called: Anterior polar cataract. Identifiers: Orphanet 98988, MedGen C1855179, MONDO:0020373, HP:0001134.

Allele frequency attached by ClinVar (database versions not stated): ExAC 0.00018; TOPMed 0.00029; gnomAD 0.00036; ESP Exome Variant Server 0.00038; gnomAD exomes 0.00062.
gnomAD v4.1: 934 of 1,613,962 alleles (0.058%); highest among the groups gnomAD compares: Non-Finnish European, 0.077%; no homozygotes.

Submissions (3):

CeGaT Center for Human Genetics Tuebingen
Classification: Likely benign. Last evaluated: 2026-04-01. Review status: criteria provided, single submitter. Criteria: CeGaT Center For Human Genetics Tuebingen Variant Classification Criteria Version 2. Collection method: clinical testing. Allele origin: germline. Affected: yes. Observed: 1 variant allele.
Comment: CRYBA2: BS1

Ambry Genetics
Classification: Uncertain significance. Last evaluated: 2025-08-08. Review status: criteria provided, single submitter. Criteria: Ambry Variant Classification Scheme 2023. Collection method: clinical testing. Allele origin: germline.

Department of Pathology and Laboratory Medicine, Sinai Health System
Classification: Uncertain significance for early-onset anterior polar cataract. Last evaluated: 2021-11-24. Review status: criteria provided, single submitter. Criteria: ACMG Guidelines, 2015. Collection method: research. Allele origin: germline.